The following is an entry in ClinVar:

NM_032409.3(PINK1):c.599C>T (p.Ala200Val)

Gene: PINK1 (PTEN induced kinase 1; plus strand). Cytogenetic location: 1p36.12.
Variant type: single nucleotide variant.
Coding change: c.599C>T on transcript NM_032409.3 (MANE Select); coding-DNA position 599, C replaced by T.
Protein change: p.Ala200Val; replaces alanine 200 with valine.
Molecular consequence: missense variant.
Genome position (GRCh38, 1-based): chr1:20,638,053, C>T. VCF-style: chr1-20638053-C-T. GRCh37 (hg19) VCF-style: chr1-20964546-C-T.
Other names: short protein forms A200V.
Identifiers: ClinVar variation 2163895 (VCV002163895.4), dbSNP rs149822257, ClinGen allele CA660464.

ClinVar aggregate classification (germline): Uncertain significance (1 of 4 stars; one submission).

Conditions:
Autosomal recessive early-onset Parkinson disease 6 (PARK6). Also called: PINK1-Related Parkinson Disease; PARKINSON DISEASE 6, MODIFIER OF; PINK1 Type of Young-Onset Parkinson Disease; PARKINSON DISEASE 6, EARLY-ONSET. Identifiers: Orphanet 2828, MedGen C1853833, MONDO:0011613, OMIM 605909.

Allele frequency attached by ClinVar (database versions not stated): gnomAD exomes 0.00001; TOPMed 0.00002; gnomAD 0.00003; ExAC 0.00004; 1000 Genomes Project 30x 0.00016; 1000 Genomes Project 0.00020.
gnomAD v4.1: 23 of 1,614,146 alleles (0.0014%); highest among the groups gnomAD compares: Admixed American, 0.028%; no homozygotes.

Submission:

Labcorp Genetics (formerly Invitae), Labcorp
Classification: Uncertain significance for Autosomal recessive early-onset Parkinson disease 6. Last evaluated: 2022-09-27. Review status: criteria provided, single submitter. Criteria: Invitae Variant Classification Sherloc (09022015). Collection method: clinical testing. Allele origin: germline.
Comment: In summary, the available evidence is currently insufficient to determine the role of this variant in disease. Therefore, it has been classified as a Variant of Uncertain Significance. Algorithms developed to predict the effect of missense changes on protein structure and function (SIFT, PolyPhen-2, Align-GVGD) all suggest that this variant is likely to be tolerated. This variant has not been reported in the literature in individuals affected with PINK1-related conditions. This variant is present in population databases (rs149822257, gnomAD 0.03%). This sequence change replaces alanine, which is neutral and non-polar, with valine, which is neutral and non-polar, at codon 200 of the PINK1 protein (p.Ala200Val).